The following is an entry in ClinVar:

NM_000127.3(EXT1):c.15dup (p.Arg6fs)

Gene: EXT1 (exostosin glycosyltransferase 1; minus strand). Cytogenetic location: 8q24.11.
Variant type: Duplication.
Coding change: c.15dup on transcript NM_000127.3 (MANE Select); coding-DNA position 15, one base duplicated (A; older notation c.15dupA).
Protein change: p.Arg6fs; shifts the reading frame from arginine 6.
Molecular consequence: frameshift variant.
Genome position (GRCh38, 1-based): chr8:118,111,032, T duplicated on the plus strand (A on the coding strand, the reverse complement: EXT1 is on the minus strand); the first of 6 consecutive T bases (chr8:118,111,032-118,111,037); duplicating any one gives the same sequence. VCF-style (leftmost placement, unchanged base first): chr8-118111031-G-GT. GRCh37 (hg19) VCF-style: chr8-119123270-G-GT.
Other names: c.15dup (NM_000127.2); short protein forms R6fs.
Identifiers: ClinVar variation 1452186 (VCV001452186.32), dbSNP rs759834555, ClinGen allele CA1814089995.
Genomic context (GRCh38, chr8:118,111,031, plus strand): 5'-AGCCTCCGAAATAAAACAAAAGGGCGAGACAAGAGCCAGCTGAGAGCAGGATGAAATAGC[G>GT]TTTTTTGGCCTGCATGTGTCCTGCCTGGGTCAAGAGGATTGTAAATAAACACAAGAATCA-3'

ClinVar aggregate classification (germline): Pathogenic. Review status: criteria provided, multiple submitters, no conflicts (2 of 4 stars). 3 submissions from 3 submitters: Pathogenic (3). Last evaluated 2025-06-07.

Conditions:
Multiple congenital exostosis (EXT). Also called: Multiple exostoses; Hereditary multiple osteochondromas; Multiple osteochondromas; MULTIPLE CARTILAGINOUS EXOSTOSES; Hereditary multiple exostoses; Hereditary multiple exostosis. Identifiers: Orphanet 321, MedGen C0015306, MONDO:0005508, HP:0002762.

Submissions (3):

GeneDx
Classification: Pathogenic. Last evaluated: 2025-06-07. Review status: criteria provided, single submitter. Criteria: GeneDx Variant Classification Process June 2021. Collection method: clinical testing. Allele origin: germline. Affected: yes.
Comment: Frameshift variant predicted to result in protein truncation or nonsense mediated decay in a gene for which loss of function is a known mechanism of disease; Not observed at significant frequency in large population cohorts (gnomAD); This variant is associated with the following publications: (PMID: 19810120, 24532482)

Labcorp Genetics (formerly Invitae), Labcorp
Classification: Pathogenic for Multiple congenital exostosis. Last evaluated: 2024-03-10. Review status: criteria provided, single submitter. Criteria: Invitae Variant Classification Sherloc (09022015). Collection method: clinical testing. Allele origin: germline.
Comment: This sequence change creates a premature translational stop signal (p.Arg6Thrfs*24) in the EXT1 gene. It is expected to result in an absent or disrupted protein product. Loss-of-function variants in EXT1 are known to be pathogenic (PMID: 10679937, 11391482, 19810120). This variant is not present in population databases (gnomAD no frequency). This premature translational stop signal has been observed in individual(s) with multiple osteochondromas (PMID: 19810120, 24532482). ClinVar contains an entry for this variant (Variation ID: 1452186). For these reasons, this variant has been classified as Pathogenic.

CeGaT Center for Human Genetics Tuebingen
Classification: Pathogenic. Last evaluated: 2023-09-01. Review status: criteria provided, single submitter. Criteria: CeGaT Center For Human Genetics Tuebingen Variant Classification Criteria Version 2. Collection method: clinical testing. Allele origin: germline. Affected: yes. Observed: 1 variant allele.
Comment: EXT1: PVS1, PM2, PS4:Moderate, PP4

Literature cited by the submitters: PubMed 10679937 (cited by Labcorp Genetics (formerly Invitae), Labcorp); PubMed 11391482 (cited by Labcorp Genetics (formerly Invitae), Labcorp); PubMed 19810120 (cited by Labcorp Genetics (formerly Invitae), Labcorp); PubMed 24532482 (cited by Labcorp Genetics (formerly Invitae), Labcorp).